The following is an entry in ClinVar:

NM_138694.4(PKHD1):c.1880T>A (p.Met627Lys)

Gene: PKHD1 (PKHD1 ciliary IPT domain containing fibrocystin/polyductin; minus strand). Cytogenetic location: 6p12.2.
Variant type: single nucleotide variant.
Coding change: c.1880T>A on transcript NM_138694.4 (MANE Select); coding-DNA position 1880, T replaced by A.
Protein change: p.Met627Lys; replaces methionine 627 with lysine.
Molecular consequence: missense variant.
Genome position (GRCh38, 1-based): chr6:52,054,122, A>T on the plus strand (T>A on the coding strand, the complement: PKHD1 is on the minus strand). VCF-style: chr6-52054122-A-T. GRCh37 (hg19) VCF-style: chr6-51918920-A-T.
Other names: c.1880T>A, p.Met627Lys (NM_170724.3); short protein forms M627K.
Identifiers: ClinVar variation 189098 (VCV000189098.48), dbSNP rs786204696, ClinGen allele CA274375.
Genomic context (GRCh38, chr6:52,054,122, plus strand): 5'-CTCCAGTCACAGGTGGTATTCTTTACCATGTTTTGAAAGCCGATTGTGAAGGACACAATC[A>T]TCTTCAGGATCTTGTTCATGTGGCCTTTGTATGCAAGACACAGCTATGGACACCAAATAA-3'
Protein context (NP_619639.3, residues 617-637): YKGHMNKILK[Met627Lys]IVSFTIGFQN

ClinVar aggregate classification (germline): Pathogenic/Likely pathogenic. Review status: criteria provided, multiple submitters, no conflicts (2 of 4 stars). 7 submissions from 7 submitters: Pathogenic (4); Likely pathogenic (1). 2 of the submissions do not count toward it. Last evaluated 2026-02-17.

Conditions:
Autosomal dominant polycystic liver disease. Also called: Congenital cystic disease of liver; Polycystic liver disease. Identifiers: Orphanet 2924, MedGen C0158683, MONDO:0000447, HP:0006557.
PKHD1-related disorder. Also called: PKHD1-related condition.
Polycystic kidney disease 4 (PKD4). Also called: POLYCYSTIC KIDNEY DISEASE 4 WITH OR WITHOUT POLYCYSTIC LIVER DISEASE; PKD3; Autosomal Recessive Polycystic Kidney Disease – PKHD1; POLYCYSTIC KIDNEY AND HEPATIC DISEASE 1; POLYCYSTIC KIDNEY DISEASE, INFANTILE, TYPE I. Identifiers: MedGen C4540575, MONDO:0033004, OMIM 263200.
Autosomal recessive polycystic kidney disease (ARPKD). Also called: AR polycystic kidney disease. Identifiers: Orphanet 731, Orphanet 8378, MedGen C0085548, MeSH D017044, MONDO:0009889.

Allele frequency attached by ClinVar (database versions not stated): TOPMed below 0.00001.
gnomAD v4.1: 9 of 1,612,940 alleles (0.00056%); highest among the groups gnomAD compares: Non-Finnish European, 0.00051%; no homozygotes.

Submissions (7):

Women's Health and Genetics/Laboratory Corporation of America, LabCorp
Classification: Pathogenic for Autosomal recessive polycystic kidney disease. Last evaluated: 2026-02-17. Review status: criteria provided, single submitter. Criteria: LabCorp Variant Classification Summary - May 2015. Collection method: clinical testing. Allele origin: germline.
Comment: Variant summary: PKHD1 c.1880T>A (p.Met627Lys) results in a non-conservative amino acid change in the encoded protein sequence. Algorithms developed to predict the effect of missense changes on protein structure and function are either unavailable or do not agree on the potential impact of this missense change. The variant was absent in 251292 control chromosomes (gnomAD). c.1880T>A has been observed in multiple individuals affected with Polycystic Kidney And Hepatic Disease (e.g. Sharp_2005, Lambie_2015). These data indicate that the variant is very likely to be associated with disease. The following publications have been ascertained in the context of this evaluation (PMID: 15805161, 25193386). ClinVar contains an entry for this variant (Variation ID: 189098). Based on the evidence outlined above, the variant was classified as pathogenic.

Labcorp Genetics (formerly Invitae), Labcorp
Classification: Pathogenic for Autosomal recessive polycystic kidney disease. Last evaluated: 2025-08-30. Review status: criteria provided, single submitter. Criteria: Invitae Variant Classification Sherloc (09022015). Collection method: clinical testing. Allele origin: germline.
Comment: This sequence change replaces methionine, which is neutral and non-polar, with lysine, which is basic and polar, at codon 627 of the PKHD1 protein (p.Met627Lys). This variant is not present in population databases (gnomAD no frequency). This missense change has been observed in individuals with autosomal recessive polycystic kidney disease (PMID: 15805161, 25193386). It is commonly reported in individuals of South African Afrikaner ancestry (PMID: 15805161). ClinVar contains an entry for this variant (Variation ID: 189098). Invitae Evidence Modeling of protein sequence and biophysical properties (such as structural, functional, and spatial information, amino acid conservation, physicochemical variation, residue mobility, and thermodynamic stability) has been performed for this missense variant. However, the output from this modeling did not meet the statistical confidence thresholds required to predict the impact of this variant on PKHD1 protein function. For these reasons, this variant has been classified as Pathogenic.

Natera, Inc.
Classification: Likely pathogenic for Autosomal recessive polycystic kidney disease. Last evaluated: 2025-06-20. Review status: criteria provided, single submitter. Criteria: Natera Variant Classification Schema (03/2026). Collection method: clinical testing. Allele origin: germline.
Comment: The c.1880T>A variant in PKHD1 is a missense variant predicted to cause substitution of methionine to lysine at amino acid 627. This variant is rare in the general population with a frequency below the threshold expected for the associated phenotype(s). This variant has been observed in one or more individuals affected with the associated recessive disease, as either homozygous or compound heterozygous with a second variant (PMID: 25193386). Additionally, this variant has been observed to segregate in affected family members (PMID: 25193386). Computational prediction algorithms indicate this variant is likely to affect gene or protein function. Given the available evidence, this variant is classified as Likely Pathogenic.

Division of Human Genetics, National Health Laboratory Service/University of the Witwatersrand
Classification: Pathogenic for Polycystic kidney disease 4. Last evaluated: 2023-07-01. Review status: criteria provided, single submitter. Criteria: ACMG Guidelines, 2015. Collection method: research. Allele origin: germline. Affected: yes.

Blueprint Genetics
Classification: Pathogenic for PKHD1-related disorders. Last evaluated: 2023-03-17. Review status: criteria provided, single submitter. Criteria: ACMG Guidelines, 2015. Collection method: clinical testing. Allele origin: germline. Affected: yes. Observed: 2 variant alleles.

Laboratory of Gastroenterology and Hepatology, Radboud University Medical Center
Classification: Likely pathogenic for Autosomal dominant polycystic liver disease. Last evaluated: 2021-09-01. Review status: no assertion criteria provided. Collection method: research. Allele origin: germline. Affected: yes. Not counted in ClinVar's aggregate classification.

Counsyl
Classification: Pathogenic for Polycystic kidney disease, infantile type. Last evaluated: 2014-12-22. Review status: no assertion criteria provided. Collection method: literature only. Allele origin: unknown. Inheritance: Autosomal recessive inheritance. Not counted in ClinVar's aggregate classification.

Literature cited by the submitters: PubMed 15805161 (cited by 3 submitters); PubMed 25193386 (cited by 4 submitters); PubMed 24984783 (cited by Counsyl).